The following is an entry in ClinVar:

NM_033453.4(ITPA):c.233A>G (p.Asn78Ser)

Gene: ITPA (inosine triphosphatase; plus strand). Cytogenetic location: 20p13.
Variant type: single nucleotide variant.
Coding change: c.233A>G on transcript NM_033453.4 (MANE Select); coding-DNA position 233, A replaced by G.
Protein change: p.Asn78Ser; replaces asparagine 78 with serine.
Molecular consequence: missense variant. On other transcripts: 5 prime UTR variant (4), non-coding transcript variant (2).
Genome position (GRCh38, 1-based): chr20:3,214,028, A>G. VCF-style: chr20-3214028-A-G. GRCh37 (hg19) VCF-style: chr20-3194674-A-G.
Other names: c.110A>G, p.Asn37Ser (NM_001267623.2); c.-105A>G (NM_001324236.2, NM_001324237.2, NM_001324238.2 and 1 more transcripts); c.233A>G, p.Asn78Ser (NM_001324240.2); c.182A>G, p.Asn61Ser (NM_181493.4); short protein forms N78S, N61S, N37S.
Identifiers: ClinVar variation 464829 (VCV000464829.54), dbSNP rs150904363, ClinGen allele CA9741216.

ClinVar aggregate classification (germline): Benign/Likely benign. Review status: criteria provided, multiple submitters, no conflicts (2 of 4 stars). 4 submissions from 4 submitters: Benign (1); Likely benign (2). 1 of the submissions does not count toward it. Last evaluated 2026-01-28.

Conditions:
ITPA-related disorder. Also called: ITPA-related condition.
Inosine triphosphatase deficiency. Also called: INOSINE TRIPHOSPHATE PYROPHOSPHOHYDROLASE DEFICIENCY. Identifiers: MedGen C0342800, MONDO:0013461, OMIM 613850.

Allele frequency attached by ClinVar (database versions not stated): 1000 Genomes Project 30x 0.00031; 1000 Genomes Project 0.00040; ESP Exome Variant Server 0.00069; gnomAD exomes 0.00076 and 0.00132; gnomAD 0.00087 and 0.00089; TOPMed 0.00087; ExAC 0.00118.
gnomAD v4.1: 1,297 of 1,614,174 alleles (0.08%); highest among the groups gnomAD compares: Middle Eastern, 0.12%; 9 homozygotes.

Submissions (4):

Labcorp Genetics (formerly Invitae), Labcorp
Classification: Benign for Inosine triphosphatase deficiency. Last evaluated: 2026-01-28. Review status: criteria provided, single submitter. Criteria: Invitae Variant Classification Sherloc (09022015). Collection method: clinical testing. Allele origin: germline.

CeGaT Center for Human Genetics Tuebingen
Classification: Likely benign. Last evaluated: 2018-10-01. Review status: criteria provided, single submitter. Criteria: CeGaT Center For Human Genetics Tuebingen Variant Classification Criteria Version 2. Collection method: clinical testing. Allele origin: germline. Affected: yes. Observed: 1 variant allele.

Breakthrough Genomics
Classification: Likely benign. Review status: criteria provided, single submitter. Criteria: ACMG Guidelines, 2015. Collection method: not provided. Allele origin: germline. Inheritance: Autosomal recessive inheritance. Affected: yes.

PreventionGenetics, part of Exact Sciences
Classification: Benign for ITPA-related condition. Last evaluated: 2024-08-07. Review status: no assertion criteria provided. Collection method: clinical testing. Allele origin: germline. Not counted in ClinVar's aggregate classification.
Comment: This variant is classified as benign based on ACMG/AMP sequence variant interpretation guidelines (Richards et al. 2015 PMID: 25741868, with internal and published modifications).